The following is an entry in ClinVar:

NM_173728.4(ARHGEF15):c.2317G>A (p.Glu773Lys)

Gene: ARHGEF15 (Rho guanine nucleotide exchange factor 15; plus strand). Cytogenetic location: 17p13.1.
Variant type: single nucleotide variant.
Coding change: c.2317G>A on transcript NM_173728.4 (MANE Select); coding-DNA position 2317, G replaced by A.
Protein change: p.Glu773Lys; replaces glutamic acid 773 with lysine.
Molecular consequence: missense variant.
Genome position (GRCh38, 1-based): chr17:8,319,546, G>A. VCF-style: chr17-8319546-G-A. GRCh37 (hg19) VCF-style: chr17-8222864-G-A.
Other names: c.2317G>A, p.Glu773Lys (NM_025014.2); short protein forms E773K.
Identifiers: ClinVar variation 2755436 (VCV002755436.3), dbSNP rs2543951044, ClinGen allele CA398025764.

ClinVar aggregate classification (germline): Uncertain significance (1 of 4 stars; one submission).

Conditions:
Early-infantile DEE. Also called: Ohtahara syndrome; Early infantile epileptic encephalopathy; Early infantile epileptic encephalopathy with suppression bursts. Identifiers: Orphanet 1934, MedGen C0393706, MONDO:0800491.

Submission:

Labcorp Genetics (formerly Invitae), Labcorp
Classification: Uncertain significance for Early-infantile DEE. Last evaluated: 2023-08-27. Review status: criteria provided, single submitter. Criteria: Invitae Variant Classification Sherloc (09022015). Collection method: clinical testing. Allele origin: germline.
Comment: In summary, the available evidence is currently insufficient to determine the role of this variant in disease. Therefore, it has been classified as a Variant of Uncertain Significance. Algorithms developed to predict the effect of missense changes on protein structure and function output the following: SIFT: "Not Available"; PolyPhen-2: "Benign"; Align-GVGD: "Not Available". The lysine amino acid residue is found in multiple mammalian species, which suggests that this missense change does not adversely affect protein function. This variant has not been reported in the literature in individuals affected with ARHGEF15-related conditions. This variant is not present in population databases (gnomAD no frequency). This sequence change replaces glutamic acid, which is acidic and polar, with lysine, which is basic and polar, at codon 773 of the ARHGEF15 protein (p.Glu773Lys).